The following is an entry in ClinVar:

ClinVar aggregate classification (germline): Uncertain significance. Review status: criteria provided, multiple submitters, no conflicts (2 of 4 stars). 5 submissions from 5 submitters: Uncertain significance (5). Last evaluated 2025-01-07.

Conditions:
Inborn genetic diseases. Identifiers: MedGen C0950123, MeSH D030342.

Allele frequency attached by ClinVar (database versions not stated): gnomAD 0.00001 and 0.00002; gnomAD exomes 0.00002; ExAC 0.00003; TOPMed 0.00003.
gnomAD v4.1: 37 of 1,612,806 alleles (0.0023%); highest among the groups gnomAD compares: Non-Finnish European, 0.0031%; no homozygotes.

Submissions (5):

Ambry Genetics
Classification: Uncertain significance for Inborn genetic diseases. Last evaluated: 2025-01-07. Review status: criteria provided, single submitter. Criteria: Ambry Variant Classification Scheme 2023. Collection method: clinical testing. Allele origin: germline.

Athena Diagnostics
Classification: Uncertain significance. Last evaluated: 2024-11-25. Review status: criteria provided, single submitter. Criteria: Athena Diagnostics Criteria. Collection method: clinical testing. Allele origin: unknown.
Comment: Available data are insufficient to determine the clinical significance of the variant at this time. The frequency of this variant in the general population is uninformative in assessment of its pathogenicity. Polyphen and MutationTaster predict this amino acid change may be benign.

Labcorp Genetics (formerly Invitae), Labcorp
Classification: Uncertain significance. Last evaluated: 2024-11-11. Review status: criteria provided, single submitter. Criteria: Invitae Variant Classification Sherloc (09022015). Collection method: clinical testing. Allele origin: germline.
Comment: This sequence change replaces threonine, which is neutral and polar, with alanine, which is neutral and non-polar, at codon 1972 of the HSPG2 protein (p.Thr1972Ala). This variant is present in population databases (rs780024090, gnomAD 0.005%). This variant has not been reported in the literature in individuals affected with HSPG2-related conditions. ClinVar contains an entry for this variant (Variation ID: 1375545). An algorithm developed to predict the effect of missense changes on protein structure and function (PolyPhen-2) suggests that this variant is likely to be disruptive. In summary, the available evidence is currently insufficient to determine the role of this variant in disease. Therefore, it has been classified as a Variant of Uncertain Significance.

Blueprint Genetics
Classification: Uncertain significance. Last evaluated: 2024-10-31. Review status: criteria provided, single submitter. Criteria: ACMG Guidelines, 2015. Collection method: clinical testing. Allele origin: germline.

Revvity Omics, Revvity
Classification: Uncertain significance. Last evaluated: 2019-10-18. Review status: criteria provided, single submitter. Criteria: ACMG Guidelines, 2015. Collection method: clinical testing. Allele origin: germline.

NM_005529.7(HSPG2):c.5914A>G (p.Thr1972Ala)

Gene: HSPG2 (heparan sulfate proteoglycan 2; minus strand). Cytogenetic location: 1p36.12.
Variant type: single nucleotide variant.
Coding change: c.5914A>G on transcript NM_005529.7 (MANE Select); coding-DNA position 5914, A replaced by G.
Protein change: p.Thr1972Ala; replaces threonine 1972 with alanine.
Molecular consequence: missense variant.
Genome position (GRCh38, 1-based): chr1:21,855,387, T>C on the plus strand (A>G on the coding strand, the complement: HSPG2 is on the minus strand). VCF-style: chr1-21855387-T-C. GRCh37 (hg19) VCF-style: chr1-22181880-T-C.
Other names: c.5914A>G (NM_005529.5, NM_005529.6); c.5917A>G, p.Thr1973Ala (NM_001291860.2); short protein forms T1972A, T1973A.
Identifiers: ClinVar variation 1375545 (VCV001375545.9), dbSNP rs780024090, ClinGen allele CA671746.